The following is an entry in ClinVar:

ClinVar aggregate classification (germline): Uncertain significance (1 of 4 stars; one submission).

gnomAD v4.1: 1 of 1,614,130 alleles (0.000062%); no homozygotes.

Submission:

Ambry Genetics
Classification: Uncertain significance. Last evaluated: 2023-06-29. Review status: criteria provided, single submitter. Criteria: Ambry Variant Classification Scheme 2023. Collection method: clinical testing. Allele origin: germline.
Comment: The p.T113K variant (also known as c.338C>A), located in coding exon 6 of the NPAT gene, results from a C to A substitution at nucleotide position 338. The threonine at codon 113 is replaced by lysine, an amino acid with similar properties. This amino acid position is conserved. In addition, the in silico prediction for this alteration is inconclusive. Since supporting evidence is limited at this time, the clinical significance of this alteration remains unclear.

NM_002519.3(NPAT):c.338C>A (p.Thr113Lys)

Gene: NPAT (nuclear protein, coactivator of histone transcription; minus strand). Cytogenetic location: 11q22.3.
Variant type: single nucleotide variant.
Coding change: c.338C>A on transcript NM_002519.3 (MANE Select); coding-DNA position 338, C replaced by A.
Protein change: p.Thr113Lys; replaces threonine 113 with lysine.
Molecular consequence: missense variant.
Genome position (GRCh38, 1-based): chr11:108,189,324, G>T on the plus strand (C>A on the coding strand, the complement: NPAT is on the minus strand). VCF-style: chr11-108189324-G-T. GRCh37 (hg19) VCF-style: chr11-108060051-G-T.
Other names: c.338C>A, p.Thr113Lys (NM_001321307.1); short protein forms T113K.
Identifiers: ClinVar variation 2587659 (VCV002587659.2), dbSNP rs1591402004, ClinGen allele CA382525546.